The following is an entry in ClinVar:

ClinVar aggregate classification (germline): Uncertain significance. Review status: criteria provided, multiple submitters, no conflicts (2 of 4 stars). 2 submissions from 2 submitters: Uncertain significance (2). Last evaluated 2025-11-19.

Conditions:
Emery-Dreifuss muscular dystrophy 5, autosomal dominant (EDMD5). Also called: EMERY-DREIFUSS MUSCULAR DYSTROPHY 5. Identifiers: Orphanet 261, MedGen C2751805, MONDO:0013072, OMIM 612999.

Allele frequency attached by ClinVar (database versions not stated): gnomAD exomes 0.00001; ExAC 0.00003; gnomAD 0.00016 and 0.00017; 1000 Genomes Project 30x 0.00031; TOPMed 0.00034; 1000 Genomes Project 0.00040.
gnomAD v4.1: 40 of 1,613,968 alleles (0.0025%); highest among the groups gnomAD compares: Admixed American, 0.047%; no homozygotes.

Submissions (2):

Labcorp Genetics (formerly Invitae), Labcorp
Classification: Uncertain significance for Emery-Dreifuss muscular dystrophy 5, autosomal dominant. Last evaluated: 2025-11-19. Review status: criteria provided, single submitter. Criteria: Invitae Variant Classification Sherloc (09022015). Collection method: clinical testing. Allele origin: germline.
Comment: This sequence change replaces phenylalanine, which is neutral and non-polar, with leucine, which is neutral and non-polar, at codon 1089 of the SYNE2 protein (p.Phe1089Leu). This variant is present in population databases (rs201858632, gnomAD 0.006%). This variant has not been reported in the literature in individuals affected with SYNE2-related conditions. ClinVar contains an entry for this variant (Variation ID: 538331). An algorithm developed to predict the effect of missense changes on protein structure and function outputs the following: PolyPhen-2: "Benign". The leucine amino acid residue is found in multiple mammalian species, which suggests that this missense change does not adversely affect protein function. In summary, the available evidence is currently insufficient to determine the role of this variant in disease. Therefore, it has been classified as a Variant of Uncertain Significance.

Revvity Omics, Revvity
Classification: Uncertain significance for Emery-Dreifuss muscular dystrophy 5, autosomal dominant. Last evaluated: 2019-07-15. Review status: criteria provided, single submitter. Criteria: ACMG Guidelines, 2015. Collection method: clinical testing. Allele origin: germline.

NM_182914.3(SYNE2):c.3267T>G (p.Phe1089Leu)

Gene: SYNE2 (spectrin repeat containing nuclear envelope protein 2; plus strand). Cytogenetic location: 14q23.2.
Variant type: single nucleotide variant.
Coding change: c.3267T>G on transcript NM_182914.3 (MANE Select); coding-DNA position 3267, T replaced by G.
Protein change: p.Phe1089Leu; replaces phenylalanine 1089 with leucine.
Molecular consequence: missense variant.
Genome position (GRCh38, 1-based): chr14:63,998,242, T>G. VCF-style: chr14-63998242-T-G. GRCh37 (hg19) VCF-style: chr14-64464960-T-G.
Other names: c.3267T>G, p.Phe1089Leu (NM_015180.6); short protein forms F1089L.
Identifiers: ClinVar variation 538331 (VCV000538331.10), dbSNP rs201858632, ClinGen allele CA7219917.
Genomic context (GRCh38, chr14:63,998,242, plus strand): 5'-TAAGATATTTCGTTTACTATTTTGCATATTCCCTTAGGCAATGGAACCCACTATGAAGTT[T>G]AGCCTGGCATCAGTGTTAAGGCCTCTGCAAGAAGAAAGCATTATGGAAAAGGATTACAGT-3'
Protein context (NP_878918.2, residues 1079-1099): TEKAMEPTMK[Phe1089Leu]SLASVLRPLQ